The following is an entry in ClinVar:

NM_001371395.1(USP53):c.648T>C (p.Asn216=)

Gene: USP53 (ubiquitin specific peptidase 53; plus strand). Cytogenetic location: 4q26.
Variant type: single nucleotide variant.
Coding change: c.648T>C on transcript NM_001371395.1 (MANE Select); coding-DNA position 648, T replaced by C.
Protein change: p.Asn216=; no amino-acid change (asparagine 216 retained).
Molecular consequence: synonymous variant.
Genome position (GRCh38, 1-based): chr4:119,259,898, T>C. VCF-style: chr4-119259898-T-C. GRCh37 (hg19) VCF-style: chr4-120181053-T-C.
Other names: c.648T>C, p.Asn216= (NM_001371396.1, NM_001371397.1, NM_001371398.1 and 6 more transcripts); c.300T>C, p.Asn100= (NM_001389662.1, NM_001389663.1, NM_001389664.1 and 3 more transcripts).
Identifiers: ClinVar variation 4982934 (VCV004982934.1).
Genomic context (GRCh38, chr4:119,259,898, plus strand): 5'-GTTGGAAAGGCATGAACGCTTTAAACCTGAAATGTTTGCAGAATTGCTACAAGCAGCAAA[T>C]ACAACAGATGACTATAGGAAATGTCCTGTAAGTATAGTTTGGAGAATATTAGTATGCTTC-3'
Protein context (NP_001358324.1, residues 206-226): EMFAELLQAA[Asn216=]TTDDYRKCPS

ClinVar aggregate classification (germline): Likely benign (1 of 4 stars; one submission).

Conditions:
USP53-related disorder. Also called: USP53-related condition.

gnomAD v4.1: 334 of 1,611,642 alleles (0.021%); highest among the groups gnomAD compares: Non-Finnish European, 0.026%; 2 homozygotes.

Submission:

PreventionGenetics, part of Exact Sciences
Classification: Likely benign for USP53-related condition. Last evaluated: 2025-12-26. Review status: criteria provided, single submitter. Criteria: ACMG Guidelines, 2015. Collection method: clinical testing. Allele origin: germline.
Comment: This variant is classified as likely benign based on ACMG/AMP sequence variant interpretation guidelines (Richards et al. 2015 PMID: 25741868, with internal and published modifications).